The following is an entry in ClinVar:

NM_001164665.2(KIAA1549):c.1739C>T (p.Ser580Leu)

Gene: KIAA1549 (KIAA1549; minus strand). Cytogenetic location: 7q34.
Variant type: single nucleotide variant.
Coding change: c.1739C>T on transcript NM_001164665.2 (MANE Select); coding-DNA position 1739, C replaced by T.
Protein change: p.Ser580Leu; replaces serine 580 with leucine.
Molecular consequence: missense variant.
Genome position (GRCh38, 1-based): chr7:138,917,887, G>A on the plus strand (C>T on the coding strand, the complement: KIAA1549 is on the minus strand). VCF-style: chr7-138917887-G-A. GRCh37 (hg19) VCF-style: chr7-138602633-G-A.
Other names: c.1739C>T, p.Ser580Leu (NM_020910.3); short protein forms S580L.
Identifiers: ClinVar variation 953531 (VCV000953531.10), dbSNP rs374265964, ClinGen allele CA4506646.

ClinVar aggregate classification (germline): Uncertain significance. Review status: criteria provided, multiple submitters, no conflicts (2 of 4 stars). 2 submissions from 2 submitters: Uncertain significance (2). Last evaluated 2025-05-13.

Conditions:
Inborn genetic diseases. Identifiers: MedGen C0950123, MeSH D030342.

Allele frequency attached by ClinVar (database versions not stated): gnomAD exomes 0.00002 and 0.00003; ExAC 0.00003; gnomAD 0.00011 and 0.00014; 1000 Genomes Project 30x 0.00016; ESP Exome Variant Server 0.00016; TOPMed 0.00020.
gnomAD v4.1: 41 of 1,603,544 alleles (0.0026%); highest among the groups gnomAD compares: African/African-American, 0.039%; no homozygotes.

Submissions (2):

Ambry Genetics
Classification: Uncertain significance for Inborn genetic diseases. Last evaluated: 2025-05-13. Review status: criteria provided, single submitter. Criteria: Ambry Variant Classification Scheme 2023. Collection method: clinical testing. Allele origin: germline.

Labcorp Genetics (formerly Invitae), Labcorp
Classification: Uncertain significance. Last evaluated: 2025-04-28. Review status: criteria provided, single submitter. Criteria: Invitae Variant Classification Sherloc (09022015). Collection method: clinical testing. Allele origin: germline.
Comment: This sequence change replaces serine, which is neutral and polar, with leucine, which is neutral and non-polar, at codon 580 of the KIAA1549 protein (p.Ser580Leu). This variant is present in population databases (rs374265964, gnomAD 0.04%). This variant has not been reported in the literature in individuals affected with KIAA1549-related conditions. ClinVar contains an entry for this variant (Variation ID: 953531). An algorithm developed to predict the effect of missense changes on protein structure and function outputs the following: PolyPhen-2: "Benign". The leucine amino acid residue is found in multiple mammalian species, which suggests that this missense change does not adversely affect protein function. In summary, the available evidence is currently insufficient to determine the role of this variant in disease. Therefore, it has been classified as a Variant of Uncertain Significance.